The following is an entry in ClinVar:

ClinVar aggregate classification (germline): Conflicting classifications of pathogenicity. Review status: criteria provided, conflicting classifications (1 of 4 stars). 3 submissions from 3 submitters: Uncertain significance (2); Likely benign (1). Last evaluated 2024-04-22.

Conditions:
Ehlers-Danlos syndrome, musculocontractural type 2 (EDSMC2). Identifiers: Orphanet 2953, MedGen C3809845, MONDO:0014236, OMIM 615539.

Allele frequency attached by ClinVar (database versions not stated): gnomAD exomes 0.00004 and 0.00008; ExAC 0.00007; ESP Exome Variant Server 0.00008; gnomAD 0.00009 and 0.00010; TOPMed 0.00019; 1000 Genomes Project 30x 0.00031; 1000 Genomes Project 0.00040.
gnomAD v4.1: 69 of 1,614,242 alleles (0.0043%); highest among the groups gnomAD compares: Middle Eastern, 0.066%; 1 homozygote.

Submissions (3):

Labcorp Genetics (formerly Invitae), Labcorp
Classification: Uncertain significance for Ehlers-Danlos syndrome, musculocontractural type 2. Last evaluated: 2024-04-22. Review status: criteria provided, single submitter. Criteria: Invitae Variant Classification Sherloc (09022015). Collection method: clinical testing. Allele origin: germline.
Comment: This sequence change replaces isoleucine, which is neutral and non-polar, with threonine, which is neutral and polar, at codon 120 of the DSE protein (p.Ile120Thr). This variant is present in population databases (rs147451395, gnomAD 0.04%). This variant has not been reported in the literature in individuals affected with DSE-related conditions. ClinVar contains an entry for this variant (Variation ID: 391864). Advanced modeling of protein sequence and biophysical properties (such as structural, functional, and spatial information, amino acid conservation, physicochemical variation, residue mobility, and thermodynamic stability) performed at Invitae indicates that this missense variant is not expected to disrupt DSE protein function with a negative predictive value of 80%. In summary, the available evidence is currently insufficient to determine the role of this variant in disease. Therefore, it has been classified as a Variant of Uncertain Significance.

Baylor Genetics
Classification: Uncertain significance for Ehlers-Danlos syndrome, musculocontractural type 2. Last evaluated: 2019-11-20. Review status: criteria provided, single submitter. Criteria: ACMG Guidelines, 2015. Collection method: clinical testing. Allele origin: unknown. Affected: yes.
Comment: This variant was determined to be of uncertain significance according to ACMG Guidelines, 2015 [PMID:25741868].

GeneDx
Classification: Likely benign. Last evaluated: 2018-04-23. Review status: criteria provided, single submitter. Criteria: GeneDx Variant Classification Process June 2021. Collection method: clinical testing. Allele origin: germline. Affected: yes.

NM_013352.4(DSE):c.359T>C (p.Ile120Thr)

Gene: DSE (dermatan sulfate epimerase; plus strand). Cytogenetic location: 6q22.1.
Variant type: single nucleotide variant.
Coding change: c.359T>C on transcript NM_013352.4 (MANE Select); coding-DNA position 359, T replaced by C.
Protein change: p.Ile120Thr; replaces isoleucine 120 with threonine.
Molecular consequence: missense variant. On other transcripts: 5 prime UTR variant (4), non-coding transcript variant (1).
Genome position (GRCh38, 1-based): chr6:116,399,609, T>C. VCF-style: chr6-116399609-T-C. GRCh37 (hg19) VCF-style: chr6-116720772-T-C.
Other names: c.359T>C, p.Ile120Thr (NM_001080976.3, NM_001322937.2, NM_001322938.2 and 3 more transcripts); c.416T>C, p.Ile139Thr (NM_001322939.2); c.-199T>C (NM_001322940.2, NM_001322941.2); c.-542T>C (NM_001374520.1); c.-229T>C (NM_001374521.1); short protein forms I120T, I139T.
Identifiers: ClinVar variation 391864 (VCV000391864.8), dbSNP rs147451395, ClinGen allele CA3969503.